The following is an entry in ClinVar:

ClinVar aggregate classification (germline): Conflicting classifications of pathogenicity. Review status: criteria provided, conflicting classifications (1 of 4 stars). 2 submissions from 2 submitters: Likely pathogenic (1); Uncertain significance (1). Last evaluated 2024-05-09.

Conditions:
C1Q deficiency 3. Identifiers: MedGen C5830423, MONDO:0958188, OMIM 620322.

Submissions (2):

Labcorp Genetics (formerly Invitae), Labcorp
Classification: Uncertain significance. Last evaluated: 2024-05-09. Review status: criteria provided, single submitter. Criteria: Invitae Variant Classification Sherloc (09022015). Collection method: clinical testing. Allele origin: germline.
Comment: This sequence change creates a premature translational stop signal (p.Pro71Glnfs*39) in the C1QC gene. While this is not anticipated to result in nonsense mediated decay, it is expected to disrupt the last 175 amino acid(s) of the C1QC protein. This variant is not present in population databases (gnomAD no frequency). This variant has not been reported in the literature in individuals affected with C1QC-related conditions. Experimental studies and prediction algorithms are not available or were not evaluated, and the functional significance of this variant is currently unknown. In summary, the available evidence is currently insufficient to determine the role of this variant in disease. Therefore, it has been classified as a Variant of Uncertain Significance.

Department of Pathology and Laboratory Medicine, Sinai Health System
Classification: Likely pathogenic for C1Q deficiency 3. Last evaluated: 2022-11-10. Review status: criteria provided, single submitter. Criteria: ACMG Guidelines, 2015. Collection method: research. Allele origin: germline.

NM_172369.5(C1QC):c.212_213del (p.Pro71fs)

Gene: C1QC (complement C1q C chain; plus strand). Cytogenetic location: 1p36.12.
Variant type: Deletion.
Coding change: c.212_213del on transcript NM_172369.5 (MANE Select); coding-DNA positions 212 to 213, 2 bases deleted (CC; older notation c.212_213delCC).
Protein change: p.Pro71fs; shifts the reading frame from proline 71.
Molecular consequence: frameshift variant. On other transcripts: 5 prime UTR variant (1).
Genome position (GRCh38, 1-based): chr1:22,647,257-22,647,258, CC deleted; deleting any 2 consecutive bases within chr1:22,647,256-22,647,258 gives the same sequence; the c. name uses the placement nearest the transcript's 3' end. VCF-style (leftmost placement, unchanged base first): chr1-22647255-ACC-A. GRCh37 (hg19) VCF-style: chr1-22973748-ACC-A.
Other names: c.212_213del, p.Pro71fs (NM_001114101.3, NM_001347619.2); c.-56_-55del (NM_001347620.2); short protein forms P71fs.
Identifiers: ClinVar variation 3718107 (VCV003718107.3).